The following is an entry in ClinVar:

ClinVar aggregate classification (germline): Benign. Review status: criteria provided, single submitter (1 of 4 stars). 2 submissions from 2 submitters: Benign (1). 1 of the submissions does not count toward it. Last evaluated 2025-06-30.

Conditions:
SOX6-related disorder. Also called: SOX6-related condition.

Allele frequency attached by ClinVar (database versions not stated): gnomAD 0.00022 and 0.00038; TOPMed 0.00064; ExAC 0.00094; 1000 Genomes Project 30x 0.00156; 1000 Genomes Project 0.00180.
gnomAD v4.1: 563 of 1,613,990 alleles (0.035%); highest among the groups gnomAD compares: East Asian, 1.1%; 6 homozygotes.

Submissions (2):

Labcorp Genetics (formerly Invitae), Labcorp
Classification: Benign. Last evaluated: 2025-06-30. Review status: criteria provided, single submitter. Criteria: Invitae Variant Classification Sherloc (09022015). Collection method: clinical testing. Allele origin: germline.

PreventionGenetics, part of Exact Sciences
Classification: Benign for SOX6-related condition. Last evaluated: 2019-10-28. Review status: no assertion criteria provided. Collection method: clinical testing. Allele origin: germline. Not counted in ClinVar's aggregate classification.
Comment: This variant is classified as benign based on ACMG/AMP sequence variant interpretation guidelines (Richards et al. 2015 PMID: 25741868, with internal and published modifications).

NM_001367873.1(SOX6):c.2181G>T (p.Val727=)

Gene: SOX6 (SRY-box transcription factor 6; minus strand). Cytogenetic location: 11p15.2.
Variant type: single nucleotide variant.
Coding change: c.2181G>T on transcript NM_001367873.1 (MANE Select); coding-DNA position 2181, G replaced by T.
Protein change: p.Val727=; no amino-acid change (valine 727 retained).
Molecular consequence: synonymous variant.
Genome position (GRCh38, 1-based): chr11:15,986,206, C>A on the plus strand (G>T on the coding strand, the complement: SOX6 is on the minus strand). VCF-style: chr11-15986206-C-A. GRCh37 (hg19) VCF-style: chr11-16007752-C-A.
Other names: c.2100G>T, p.Val700= (NM_001145811.2, NM_017508.3); c.2181G>T, p.Val727= (NM_001145819.2); c.2058G>T, p.Val686= (NM_001367872.1); c.2121G>T, p.Val707= (NM_033326.3); c.2220G>T (NM_001145819.1).
Identifiers: ClinVar variation 1529087 (VCV001529087.10), dbSNP rs117036791, ClinGen allele CA5897965.
Genomic context (GRCh38, chr11:15,986,206, plus strand): 5'-TCCTATAGTTACTTACCGCAAAAGTAAAGCCCAGGTGGCTAAATTCAGGAATACTTACCC[C>A]ACAGTAAAGAACTGCCTCATCTCCTGTCTCCGAGACCTCATCAGTTGCTTATACTCCCCA-3'
Protein context (NP_001354802.1, residues 717-737): RRQEMRQFFT[Val727=]GQQPQIPITT